The following is an entry in ClinVar:

NM_000726.5(CACNB4):c.1213A>C (p.Thr405Pro)

Gene: CACNB4 (calcium voltage-gated channel auxiliary subunit beta 4; minus strand). Cytogenetic location: 2q23.3.
Variant type: single nucleotide variant.
Coding change: c.1213A>C on transcript NM_000726.5 (MANE Select); coding-DNA position 1213, A replaced by C.
Protein change: p.Thr405Pro; replaces threonine 405 with proline.
Molecular consequence: missense variant. On other transcripts: intron variant (1).
Genome position (GRCh38, 1-based): chr2:151,841,992, T>G on the plus strand (A>C on the coding strand, the complement: CACNB4 is on the minus strand). VCF-style: chr2-151841992-T-G. GRCh37 (hg19) VCF-style: chr2-152698506-T-G.
Other names: c.1159A>C, p.Thr387Pro (NM_001005746.4); c.1111A>C, p.Thr371Pro (NM_001005747.4); c.1072A>C, p.Thr358Pro (NM_001320722.3, NM_001330118.2); c.970A>C, p.Thr324Pro (NM_001330113.2); c.559A>C, p.Thr187Pro (NM_001330114.2); c.922A>C, p.Thr308Pro (NM_001330115.2); c.883A>C, p.Thr295Pro (NM_001330116.2); c.655A>C, p.Thr219Pro (NM_001330117.2); and 1 more; short protein forms T405P, T187P, T308P, T358P, T371P, T324P, T219P, T295P.
Identifiers: ClinVar variation 565625 (VCV000565625.49), dbSNP rs536470851, ClinGen allele CA57653751.

ClinVar aggregate classification (germline): Uncertain significance. Review status: criteria provided, multiple submitters, no conflicts (2 of 4 stars). 2 submissions from 2 submitters: Uncertain significance (2). Last evaluated 2019-06-07.

Conditions:
Idiopathic generalized epilepsy. Also called: EIG; Generalised epilepsy. Identifiers: MedGen C0270850, MONDO:0005579, OMIM 600669.

Allele frequency attached by ClinVar (database versions not stated): gnomAD exomes below 0.00001 and 0.00001; TOPMed 0.00001; gnomAD 0.00002.
gnomAD v4.1: 16 of 1,613,640 alleles (0.00099%); highest among the groups gnomAD compares: Non-Finnish European, 0.0014%; no homozygotes.

Submissions (2):

Labcorp Genetics (formerly Invitae), Labcorp
Classification: Uncertain significance for Idiopathic generalized epilepsy. Last evaluated: 2019-06-07. Review status: criteria provided, single submitter. Criteria: Invitae Variant Classification Sherloc (09022015). Collection method: clinical testing. Allele origin: germline.
Comment: This variant is not present in population databases (ExAC no frequency). In summary, the available evidence is currently insufficient to determine the role of this variant in disease. Therefore, it has been classified as a Variant of Uncertain Significance. Algorithms developed to predict the effect of missense changes on protein structure and function (SIFT, PolyPhen-2, Align-GVGD) all suggest that this variant is likely to be tolerated, but these predictions have not been confirmed by published functional studies and their clinical significance is uncertain. This variant has not been reported in the literature in individuals with a CACNB4-related disease. This sequence change replaces threonine with proline at codon 405 of the CACNB4 protein (p.Thr405Pro). The threonine residue is moderately conserved and there is a small physicochemical difference between threonine and proline.

CeGaT Center for Human Genetics Tuebingen
Classification: Uncertain significance. Last evaluated: 2016-04-01. Review status: criteria provided, single submitter. Criteria: CeGaT Center For Human Genetics Tuebingen Variant Classification Criteria Version 2. Collection method: clinical testing. Allele origin: germline. Affected: yes. Observed: 1 variant allele.